The following is an entry in ClinVar:

NM_001330239.4(TJP1):c.2017+9C>A

Gene: TJP1 (tight junction protein 1; minus strand). Cytogenetic location: 15q13.1.
Variant type: single nucleotide variant.
Coding change: c.2017+9C>A on transcript NM_001330239.4 (MANE Select); 9 bases into the intron after coding-DNA position 2017, C replaced by A.
Molecular consequence: intron variant.
Genome position (GRCh38, 1-based): chr15:29,732,424, G>T on the plus strand (C>A on the coding strand, the complement: TJP1 is on the minus strand). VCF-style: chr15-29732424-G-T. GRCh37 (hg19) VCF-style: chr15-30024628-G-T.
Other names: c.2296+9C>A (NM_001355012.2, NM_001301025.3); c.2017+9C>A (NM_175610.4, NM_001355015.2, NM_003257.5 and 1 more transcripts); c.2029+9C>A (NM_001301026.2, NM_001355013.1).
Identifiers: ClinVar variation 3043274 (VCV003043274.2), dbSNP rs1201449057, ClinGen allele CA968175728.

ClinVar aggregate classification (germline): Likely benign (0 of 4 stars; one submission).

Conditions:
TJP1-related disorder. Also called: TJP1-related condition.

Allele frequency attached by ClinVar (database versions not stated): gnomAD exomes below 0.00001.
gnomAD v4.1: 7 of 1,611,416 alleles (0.00043%); highest among the groups gnomAD compares: African/African-American, 0.004%; no homozygotes.

Submission:

PreventionGenetics, part of Exact Sciences
Classification: Likely benign for TJP1-related condition. Last evaluated: 2019-03-25. Review status: no assertion criteria provided. Collection method: clinical testing. Allele origin: germline.
Comment: This variant is classified as likely benign based on ACMG/AMP sequence variant interpretation guidelines (Richards et al. 2015 PMID: 25741868, with internal and published modifications).